The following is an entry in ClinVar:

NM_152703.5(SAMD9L):c.332A>G (p.Glu111Gly)

Gene: SAMD9L (sterile alpha motif domain containing 9 like; minus strand). Cytogenetic location: 7q21.2.
Variant type: single nucleotide variant.
Coding change: c.332A>G on transcript NM_152703.5 (MANE Select); coding-DNA position 332, A replaced by G.
Protein change: p.Glu111Gly; replaces glutamic acid 111 with glycine.
Molecular consequence: missense variant.
Genome position (GRCh38, 1-based): chr7:93,135,640, T>C on the plus strand (A>G on the coding strand, the complement: SAMD9L is on the minus strand). VCF-style: chr7-93135640-T-C. GRCh37 (hg19) VCF-style: chr7-92764953-T-C.
Other names: c.332A>G, p.Glu111Gly (NM_001303496.3, NM_001303497.3, NM_001303498.3 and 5 more transcripts); short protein forms E111G.
Identifiers: ClinVar variation 4159396 (VCV004159396.1).

ClinVar aggregate classification (germline): Uncertain significance (1 of 4 stars; one submission).

Conditions:
Inborn genetic diseases. Identifiers: MedGen C0950123, MeSH D030342.

gnomAD v4.1: 1 of 1,614,108 alleles (0.000062%); highest among the groups gnomAD compares: Non-Finnish European, 0.000085%; no homozygotes.

Submission:

Ambry Genetics
Classification: Uncertain significance for Inborn genetic diseases. Last evaluated: 2025-08-13. Review status: criteria provided, single submitter. Criteria: Ambry Variant Classification Scheme 2023. Collection method: clinical testing. Allele origin: germline.
Comment: The p.E111G variant (also known as c.332A>G), located in coding exon 1 of the SAMD9L gene, results from an A to G substitution at nucleotide position 332. The glutamic acid at codon 111 is replaced by glycine, an amino acid with similar properties. This amino acid position is conserved. In addition, this alteration is predicted to be tolerated by in silico analysis. Based on the available evidence, the clinical significance of this variant remains unclear.